The following is an entry in ClinVar:

ClinVar aggregate classification (germline): Uncertain significance (1 of 4 stars; one submission).

Conditions:
Generalized epilepsy-paroxysmal dyskinesia syndrome (PNKD3). Also called: Generalized epilepsy and paroxysmal dyskinesia; Paroxysmal nonkinesigenic dyskinesia, 3, with or without generalized epilepsy. Identifiers: Orphanet 79137, MedGen C5574945, MONDO:0012276, OMIM 609446.

Allele frequency attached by ClinVar (database versions not stated): gnomAD exomes below 0.00001; ExAC 0.00001; gnomAD 0.00001; TOPMed 0.00001; 1000 Genomes Project 30x 0.00016; 1000 Genomes Project 0.00020.
gnomAD v4.1: 4 of 1,611,664 alleles (0.00025%); highest among the groups gnomAD compares: African/African-American, 0.0013%; no homozygotes.

Submission:

Labcorp Genetics (formerly Invitae), Labcorp
Classification: Uncertain significance for Generalized epilepsy-paroxysmal dyskinesia syndrome. Last evaluated: 2023-10-05. Review status: criteria provided, single submitter. Criteria: Invitae Variant Classification Sherloc (09022015). Collection method: clinical testing. Allele origin: germline.
Comment: This sequence change replaces proline, which is neutral and non-polar, with leucine, which is neutral and non-polar, at codon 517 of the KCNMA1 protein (p.Pro517Leu). This variant is present in population databases (rs564244009, gnomAD 0.007%). This variant has not been reported in the literature in individuals affected with KCNMA1-related conditions. Advanced modeling of protein sequence and biophysical properties (such as structural, functional, and spatial information, amino acid conservation, physicochemical variation, residue mobility, and thermodynamic stability) performed at Invitae indicates that this missense variant is expected to disrupt KCNMA1 protein function. In summary, the available evidence is currently insufficient to determine the role of this variant in disease. Therefore, it has been classified as a Variant of Uncertain Significance.

NM_001161352.2(KCNMA1):c.1550C>T (p.Pro517Leu)

Gene: KCNMA1 (potassium calcium-activated channel subfamily M alpha 1; minus strand). Cytogenetic location: 10q22.3.
Variant type: single nucleotide variant.
Coding change: c.1550C>T on transcript NM_001161352.2 (MANE Select); coding-DNA position 1550, C replaced by T.
Protein change: p.Pro517Leu; replaces proline 517 with leucine.
Molecular consequence: missense variant.
Genome position (GRCh38, 1-based): chr10:77,079,524, G>A on the plus strand (C>T on the coding strand, the complement: KCNMA1 is on the minus strand). VCF-style: chr10-77079524-G-A. GRCh37 (hg19) VCF-style: chr10-78839282-G-A.
Other names: c.1550C>T, p.Pro517Leu (NM_001014797.3, NM_001161353.2, NM_001271519.2 and 8 more transcripts); c.1388C>T, p.Pro463Leu (NM_001271518.2); c.1010C>T, p.Pro337Leu (NM_001322838.2); short protein forms P337L, P463L, P517L.
Identifiers: ClinVar variation 2787003 (VCV002787003.3), dbSNP rs564244009, ClinGen allele CA5568409.
Genomic context (GRCh38, chr10:77,079,524, plus strand): 5'-GGCTCTCGCACTCCTACCTTGTTGTGATACTGCAGCATTTGAGTGATGATTCTTATCTTC[G>A]GATGGTAGTTCTTTATGGAGATTACTCTGAAAAAGAAAGAACCAATGCTGAGACAGGTCT-3'
Protein context (NP_001154824.1, residues 507-527): MRVISIKNYH[Pro517Leu]KIRIITQMLQ